The following is an entry in ClinVar:

NM_000289.6(PFKM):c.495T>A (p.Ile165=)

Gene: PFKM (phosphofructokinase, muscle; plus strand). Cytogenetic location: 12q13.11.
Variant type: single nucleotide variant.
Coding change: c.495T>A on transcript NM_000289.6 (MANE Select); coding-DNA position 495, T replaced by A.
Protein change: p.Ile165=; no amino-acid change (isoleucine 165 retained).
Molecular consequence: synonymous variant. On other transcripts: non-coding transcript variant (6).
Genome position (GRCh38, 1-based): chr12:48,133,382, T>A. VCF-style: chr12-48133382-T-A. GRCh37 (hg19) VCF-style: chr12-48527165-T-A.
Other names: p.Ile165=; c.708T>A, p.Ile236= (NM_001166686.2, NM_001354737.1, NM_001354738.1 and 1 more transcripts); c.495T>A, p.Ile165= (NM_001166687.2, NM_001166688.2, NM_001354742.2 and 4 more transcripts); c.804T>A, p.Ile268= (NM_001354735.1, NM_001354736.1); c.639T>A, p.Ile213= (NM_001354740.1); c.519T>A, p.Ile173= (NM_001354741.2); c.408T>A, p.Ile136= (NM_001354745.2); c.345T>A, p.Ile115= (NM_001354747.2, NM_001354748.2).
Identifiers: ClinVar variation 1134406 (VCV001134406.14), dbSNP rs148858610, ClinGen allele CA6537012.

ClinVar aggregate classification (germline): Likely benign. Review status: criteria provided, multiple submitters, no conflicts (2 of 4 stars). 4 submissions from 4 submitters: Likely benign (3). 1 of the submissions does not count toward it. Last evaluated 2025-10-01.

Conditions:
Glycogen storage disease, type VII (GSD7). Also called: GSD VII; MUSCLE PHOSPHOFRUCTOKINASE DEFICIENCY; PFKM DEFICIENCY; TARUI DISEASE. Identifiers: Orphanet 371, MedGen C0017926, MONDO:0009295, OMIM 232800.

Allele frequency attached by ClinVar (database versions not stated): gnomAD exomes 0.00004 and 0.00011; ExAC 0.00019; gnomAD 0.00044 and 0.00046; TOPMed 0.00059; ESP Exome Variant Server 0.00062; 1000 Genomes Project 30x 0.00094; 1000 Genomes Project 0.00120.
gnomAD v4.1: 129 of 1,613,948 alleles (0.008%); highest among the groups gnomAD compares: African/African-American, 0.16%; no homozygotes.

Submissions (4):

Mayo Clinic Laboratories, Mayo Clinic
Classification: Likely benign. Last evaluated: 2025-10-01. Review status: criteria provided, single submitter. Criteria: ACMG Guidelines, 2015. Collection method: clinical testing. Allele origin: germline. Observed: 2 variant alleles.
Comment: BP4, BP7

Labcorp Genetics (formerly Invitae), Labcorp
Classification: Likely benign for Glycogen storage disease, type VII. Last evaluated: 2025-09-26. Review status: criteria provided, single submitter. Criteria: Invitae Variant Classification Sherloc (09022015). Collection method: clinical testing. Allele origin: germline.

Blueprint Genetics
Classification: Likely benign. Last evaluated: 2023-06-16. Review status: criteria provided, single submitter. Criteria: ACMG Guidelines, 2015. Collection method: clinical testing. Allele origin: germline.

Natera, Inc.
Classification: Likely benign for Glycogen storage disease type VII. Last evaluated: 2021-07-31. Review status: no assertion criteria provided. Collection method: clinical testing. Allele origin: germline. Not counted in ClinVar's aggregate classification.